The following is an entry in ClinVar:

ClinVar aggregate classification (germline): Pathogenic (1 of 4 stars; one submission).

Conditions:
GLI3-related disorder. Also called: GLI3-related condition; GLI3-related disorders. Identifiers: MedGen CN239292.

Submission:

Rady Children's Institute for Genomic Medicine, Rady Children's Hospital San Diego
Classification: Pathogenic for GLI3-Related Disorders. Review status: criteria provided, single submitter. Criteria: ACMG Guidelines, 2015. Collection method: clinical testing. Allele origin: germline. Affected: yes.
Comment: This frameshifting variant in exon 15 of 15 introduces a premature stop codon and is therefore predicted to result in loss of normal protein function through either protein truncation or nonsense-mediated mRNA decay (NMD). This variant has not been previously reported or functionally characterized in the literature to our knowledge. Loss-of-function variation in GLI3 is an established mechanism of disease (PMID: 20301638). It is absent from the gnomAD population database and thus is presumed to be rare. Analysis of the parental samples was negative for the variant, indicating this variant likely occurred as a de novo event. Based on the available evidence, the c.3224del (p.Leu1075ArgfsTer4) variant is classified as Pathogenic.

NM_000168.6(GLI3):c.3224del (p.Leu1075fs)

Gene: GLI3 (GLI family zinc finger 3; minus strand). Cytogenetic location: 7p14.1.
Variant type: Deletion.
Coding change: c.3224del on transcript NM_000168.6 (MANE Select); coding-DNA position 3224, one base deleted (T; older notation c.3224delT).
Protein change: p.Leu1075fs; shifts the reading frame from leucine 1075.
Molecular consequence: frameshift variant.
Genome position (GRCh38, 1-based): chr7:41,965,849, A deleted on the plus strand (T on the coding strand, the reverse complement: GLI3 is on the minus strand). VCF-style (leftmost placement, unchanged base first): chr7-41965848-CA-C. GRCh37 (hg19) VCF-style: chr7-42005446-CA-C.
Other names: short protein forms L1075fs.
Identifiers: ClinVar variation 2584417 (VCV002584417.1), dbSNP rs2484374381, ClinGen allele CA2582341644.